The following is an entry in ClinVar:

ClinVar aggregate classification (germline): Uncertain significance. Review status: criteria provided, multiple submitters, no conflicts (2 of 4 stars). 7 submissions from 7 submitters: Uncertain significance (6). 1 of the submissions does not count toward it. Last evaluated 2025-11-22.

Conditions:
Hereditary cancer-predisposing syndrome. Also called: Neoplastic Syndromes, Hereditary; Tumor predisposition; Hereditary Cancer Syndrome; Hereditary neoplastic syndrome. Identifiers: Orphanet 140162, MedGen C0027672, MeSH D009386, MONDO:0015356.
Familial cancer of breast. Also called: BREAST CANCER, FAMILIAL; Hereditary breast cancer; hereditary breast carcinoma. Identifiers: Orphanet 227535, MedGen C0346153, MONDO:0016419, OMIM 114480. Disease mechanism: loss of function.
Ataxia-telangiectasia syndrome (AT). Also called: Cerebello-oculocutaneous telangiectasia; Immunodeficiency with ataxia telangiectasia; AT, COMPLEMENTATION GROUP C; ATAXIA-TELANGIECTASIA, COMPLEMENTATION GROUP A; ATAXIA-TELANGIECTASIA, FRESNO VARIANT; Ataxia-telangiectasia. Identifiers: Orphanet 100, MedGen C0004135, MONDO:0008840, OMIM 208900.

Allele frequency attached by ClinVar (database versions not stated): gnomAD exomes 0.00001; TOPMed 0.00001; ExAC 0.00002.
gnomAD v4.1: 13 of 1,613,944 alleles (0.00081%); highest among the groups gnomAD compares: South Asian, 0.0077%; no homozygotes.

Submissions (7):

Labcorp Genetics (formerly Invitae), Labcorp
Classification: Uncertain significance for Ataxia-telangiectasia syndrome. Last evaluated: 2025-11-22. Review status: criteria provided, single submitter. Criteria: Invitae Variant Classification Sherloc (09022015). Collection method: clinical testing. Allele origin: germline.
Comment: This sequence change replaces leucine, which is neutral and non-polar, with phenylalanine, which is neutral and non-polar, at codon 1517 of the ATM protein (p.Leu1517Phe). This variant is present in population databases (rs754058482, gnomAD 0.006%). This missense change has been observed in individual(s) with ovarian cancer (PMID: 30651582). ClinVar contains an entry for this variant (Variation ID: 216219). Invitae Evidence Modeling of protein sequence and biophysical properties (such as structural, functional, and spatial information, amino acid conservation, physicochemical variation, residue mobility, and thermodynamic stability) has been performed for this missense variant. However, the output from this modeling did not meet the statistical confidence thresholds required to predict the impact of this variant on ATM protein function. RNA analysis performed to evaluate the impact of this missense change on mRNA splicing indicates it does not significantly alter splicing (internal data). In summary, the available evidence is currently insufficient to determine the role of this variant in disease. Therefore, it has been classified as a Variant of Uncertain Significance.

Ambry Genetics
Classification: Uncertain significance for Hereditary cancer-predisposing syndrome. Last evaluated: 2024-01-11. Review status: criteria provided, single submitter. Criteria: Ambry Variant Classification Scheme 2023. Collection method: clinical testing. Allele origin: germline.
Comment: The p.L1517F variant (also known as c.4549C>T), located in coding exon 29 of the ATM gene, results from a C to T substitution at nucleotide position 4549. The leucine at codon 1517 is replaced by phenylalanine, an amino acid with highly similar properties. This amino acid position is highly conserved in available vertebrate species. In addition, this alteration is predicted to be deleterious by in silico analysis. Since supporting evidence is limited at this time, the clinical significance of this alteration remains unclear.

Neuberg Centre For Genomic Medicine, NCGM
Classification: Uncertain significance for Familial cancer of breast. Last evaluated: 2023-06-22. Review status: criteria provided, single submitter. Criteria: ACMG Guidelines, 2015. Collection method: clinical testing. Allele origin: germline. Inheritance: Autosomal dominant inheritance. Affected: yes.
Comment: The observed missense c.4549C>T p.Leu1517Phe variant in ATM gene has not been reported previously as a pathogenic variant nor as a benign variant, to our knowledge. The p.Leu1517Phe variant has allele frequency 0.001% in gnomAD Exomes. This variant has been submitted to the ClinVar database as Uncertain Significance. Multiple lines of computational evidence Polyphen - Probably damaging, SIFT – Damaging and Mutation Taster - Disease causing predict a damaging effect on protein structure and function for this variant. The reference amino acid on ATM gene is predicted as conserved by GERP++ and PhyloP across 100 vertebrates. The amino acid Leu at position 1517 is changed to a Phe changing protein sequence and it might alter its composition and physico-chemical properties. For these reasons, this variant has been classified as Variant of Uncertain Significance VUS.

Blueprint Genetics
Classification: Uncertain significance. Last evaluated: 2023-04-11. Review status: criteria provided, single submitter. Criteria: ACMG Guidelines, 2015. Collection method: clinical testing. Allele origin: germline.

Color Diagnostics, LLC DBA Color Health
Classification: Uncertain significance for Hereditary cancer-predisposing syndrome. Last evaluated: 2022-12-07. Review status: criteria provided, single submitter. Criteria: ACMG Guidelines, 2015. Collection method: clinical testing. Allele origin: germline.
Comment: This missense variant replaces leucine with phenylalanine at codon 1517 of the ATM protein. Computational prediction is inconclusive regarding the impact of this variant on protein structure and function (internally defined REVEL score threshold 0.5 < inconclusive < 0.7, PMID: 27666373). To our knowledge, functional studies have not been reported for this variant. This variant has been reported in an individual affected with ovarian cancer (PMID: 30651582). This variant has been identified in 3/251364 chromosomes in the general population by the Genome Aggregation Database (gnomAD). The available evidence is insufficient to determine the role of this variant in disease conclusively. Therefore, this variant is classified as a Variant of Uncertain Significance.

Department of Pathology and Laboratory Medicine, Sinai Health System
Classification: Uncertain significance for Familial cancer of breast. Last evaluated: 2020-02-05. Review status: criteria provided, single submitter. Criteria: ACMG Guidelines, 2015. Collection method: clinical testing. Allele origin: germline. Affected: yes.

Natera, Inc.
Classification: Uncertain significance for Ataxia-telangiectasia. Last evaluated: 2020-09-16. Review status: no assertion criteria provided. Collection method: clinical testing. Allele origin: germline. Not counted in ClinVar's aggregate classification.

Literature cited by the submitters: PubMed 30651582 (cited by Labcorp Genetics (formerly Invitae), Labcorp and Color Diagnostics, LLC DBA Color Health).

NM_000051.4(ATM):c.4549C>T (p.Leu1517Phe)

Gene: ATM (ATM serine/threonine kinase; plus strand). Cytogenetic location: 11q22.3.
Variant type: single nucleotide variant.
Coding change: c.4549C>T on transcript NM_000051.4 (MANE Select); coding-DNA position 4549, C replaced by T.
Protein change: p.Leu1517Phe; replaces leucine 1517 with phenylalanine.
Molecular consequence: missense variant.
Genome position (GRCh38, 1-based): chr11:108,292,731, C>T. VCF-style: chr11-108292731-C-T. GRCh37 (hg19) VCF-style: chr11-108163458-C-T.
Other names: c.4549C>T, p.Leu1517Phe (NM_001351834.2); short protein forms L1517F.
Identifiers: ClinVar variation 216219 (VCV000216219.23), dbSNP rs754058482, ClinGen allele CA337222.